The following is an entry in ClinVar:

ClinVar aggregate classification (germline): Uncertain significance (1 of 4 stars; one submission).

gnomAD v4.1: 2 of 1,612,992 alleles (0.00012%); no homozygotes.

Submission:

GeneDx
Classification: Uncertain significance. Last evaluated: 2025-01-27. Review status: criteria provided, single submitter. Criteria: GeneDx Variant Classification Process June 2021. Collection method: clinical testing. Allele origin: germline. Affected: yes.
Comment: Not observed at significant frequency in large population cohorts (gnomAD); In silico analysis supports that this missense variant has a deleterious effect on protein structure/function; Has not been previously published as pathogenic or benign to our knowledge; This variant is associated with the following publications: (PMID: 38139069)

NM_194248.3(OTOF):c.3383C>T (p.Pro1128Leu)

Gene: OTOF (otoferlin; minus strand). Cytogenetic location: 2p23.3.
Variant type: single nucleotide variant.
Coding change: c.3383C>T on transcript NM_194248.3 (MANE Select); coding-DNA position 3383, C replaced by T.
Protein change: p.Pro1128Leu; replaces proline 1128 with leucine.
Molecular consequence: missense variant.
Genome position (GRCh38, 1-based): chr2:26,474,016, G>A on the plus strand (C>T on the coding strand, the complement: OTOF is on the minus strand). VCF-style: chr2-26474016-G-A. GRCh37 (hg19) VCF-style: chr2-26696884-G-A.
Other names: c.3383C>T, p.Pro1128Leu (NM_001287489.2); c.1142C>T, p.Pro381Leu (NM_004802.4, NM_194323.3); c.1313C>T, p.Pro438Leu (NM_194322.3); short protein forms P1128L, P381L, P438L.
Identifiers: ClinVar variation 4071770 (VCV004071770.1).
Genomic context (GRCh38, chr2:26,474,016, plus strand): 5'-ATCCAAAAGGGAAGGGCCACACAGAGCCCTCGCACCTCCACTCGGTACTTGCTGAGCACG[G>A]GCCGGATGCCCATGGGCACGGGCATGATGGGACCTCGGTCCACGTCCACCGGGCCATTGA-3'
Protein context (NP_919224.1, residues 1118-1138): PIMPVPMGIR[Pro1128Leu]VLSKYRVEVL